The following is an entry in ClinVar:

ClinVar aggregate classification (germline): Uncertain significance (1 of 4 stars; one submission).

Conditions:
Cystic fibrosis (CF). Also called: MUCOVISCIDOSIS. Identifiers: Orphanet 586, MedGen C0010674, MONDO:0009061, OMIM 219700. Disease mechanism: loss of function.

Submission:

Ambry Genetics
Classification: Uncertain significance for Cystic fibrosis. Last evaluated: 2023-02-21. Review status: criteria provided, single submitter. Criteria: Ambry Variant Classification Scheme 2023. Collection method: clinical testing. Allele origin: germline.
Comment: The p.L1399I variant (also known as c.4195C>A), located in coding exon 26 of the CFTR gene, results from a C to A substitution at nucleotide position 4195. The leucine at codon 1399 is replaced by isoleucine, an amino acid with highly similar properties. This amino acid position is conserved. In addition, the in silico prediction for this alteration is inconclusive. Since supporting evidence is limited at this time, the clinical significance of this alteration remains unclear.

NM_000492.4(CFTR):c.4195C>A (p.Leu1399Ile)

Gene: CFTR (CF transmembrane conductance regulator; plus strand). Cytogenetic location: 7q31.2.
Variant type: single nucleotide variant.
Coding change: c.4195C>A on transcript NM_000492.4 (MANE Select); coding-DNA position 4195, C replaced by A.
Protein change: p.Leu1399Ile; replaces leucine 1399 with isoleucine.
Molecular consequence: missense variant.
Genome position (GRCh38, 1-based): chr7:117,665,517, C>A. VCF-style: chr7-117665517-C-A. GRCh37 (hg19) VCF-style: chr7-117305571-C-A.
Other names: short protein forms L1399I.
Identifiers: ClinVar variation 2453659 (VCV002453659.2), dbSNP rs1562929162, ClinGen allele CA368983617.